The following is an entry in ClinVar:

NM_152383.5(DIS3L2):c.2638G>A (p.Glu880Lys)

Gene: DIS3L2 (DIS3 like 3'-5' exoribonuclease 2; plus strand). Cytogenetic location: 2q37.1.
Variant type: single nucleotide variant.
Coding change: c.2638G>A on transcript NM_152383.5 (MANE Select); coding-DNA position 2638, G replaced by A.
Protein change: p.Glu880Lys; replaces glutamic acid 880 with lysine.
Molecular consequence: missense variant. On other transcripts: non-coding transcript variant (2), intron variant (1).
Genome position (GRCh38, 1-based): chr2:232,336,610, G>A. VCF-style: chr2-232336610-G-A. GRCh37 (hg19) VCF-style: chr2-233201320-G-A.
Other names: c.1582-6735G>A (NM_001257281.2); short protein forms E880K.
Identifiers: ClinVar variation 578700 (VCV000578700.8), dbSNP rs756721316, ClinGen allele CA2164646.

ClinVar aggregate classification (germline): Uncertain significance (1 of 4 stars; one submission).

Conditions:
Perlman syndrome (PRLMNS). Identifiers: Orphanet 2849, MedGen C0796113, MONDO:0009965, OMIM 267000.

Allele frequency attached by ClinVar (database versions not stated): gnomAD exomes below 0.00001; gnomAD 0.00001; ExAC 0.00002; TOPMed 0.00002.
gnomAD v4.1: 15 of 1,606,014 alleles (0.00093%); highest among the groups gnomAD compares: Admixed American, 0.0017%; no homozygotes.

Submission:

Labcorp Genetics (formerly Invitae), Labcorp
Classification: Uncertain significance for Perlman syndrome. Last evaluated: 2025-12-24. Review status: criteria provided, single submitter. Criteria: Invitae Variant Classification Sherloc (09022015). Collection method: clinical testing. Allele origin: germline.
Comment: This sequence change replaces glutamic acid, which is acidic and polar, with lysine, which is basic and polar, at codon 880 of the DIS3L2 protein (p.Glu880Lys). This variant is present in population databases (rs756721316, gnomAD 0.003%). This variant has not been reported in the literature in individuals affected with DIS3L2-related conditions. ClinVar contains an entry for this variant (Variation ID: 578700). Experimental studies and prediction algorithms are not available or were not evaluated, and the functional significance of this variant is currently unknown. In summary, the available evidence is currently insufficient to determine the role of this variant in disease. Therefore, it has been classified as a Variant of Uncertain Significance.